The following is an entry in ClinVar:

NM_000053.4(ATP7B):c.2968dup (p.Ala990fs)

Gene: ATP7B (ATPase copper transporting beta; minus strand). Cytogenetic location: 13q14.3.
Variant type: Duplication.
Coding change: c.2968dup on transcript NM_000053.4 (MANE Select); coding-DNA position 2968, one base duplicated (G; older notation c.2968dupG).
Protein change: p.Ala990fs; shifts the reading frame from alanine 990.
Molecular consequence: frameshift variant. On other transcripts: intron variant (6).
Genome position (GRCh38, 1-based): chr13:51,946,376, C duplicated on the plus strand (G on the coding strand, the reverse complement: ATP7B is on the minus strand); the first of 2 consecutive C bases (chr13:51,946,376-51,946,377); duplicating either gives the same sequence. VCF-style (leftmost placement, unchanged base first): chr13-51946375-G-GC. GRCh37 (hg19) VCF-style: chr13-52520511-G-GC.
Other names: c.2347dup, p.Ala783fs (NM_001005918.3); c.2635dup, p.Ala879fs (NM_001243182.2); c.2734dup, p.Ala912fs (NM_001330578.2, NM_001406527.1, NM_001406528.1 and 1 more transcripts); c.2716dup, p.Ala906fs (NM_001330579.2, NM_001406531.1, NM_001406532.1); c.2968dup, p.Ala990fs (NM_001406511.1, NM_001406512.1, NM_001406513.1 and 2 more transcripts); c.2935dup, p.Ala979fs (NM_001406514.1); c.2914dup, p.Ala972fs (NM_001406515.1, NM_001406516.1); c.2872dup, p.Ala958fs (NM_001406517.1, NM_001406518.1); and 18 more; short protein forms A560fs, A774fs, A783fs, A796fs, A828fs, A847fs, A874fs, A879fs.
Identifiers: ClinVar variation 5012209 (VCV005012209.1).

ClinVar aggregate classification (germline): Pathogenic (1 of 4 stars; one submission).

Conditions:
Wilson disease (WND). Also called: Wilson's disease. Identifiers: Orphanet 905, MedGen C0019202, MONDO:0010200, OMIM 277900. Disease mechanism: loss of function.

Submission:

Myriad Genetics, Inc.
Classification: Pathogenic for Wilson disease. Last evaluated: 2023-09-27. Review status: criteria provided, single submitter. Criteria: Myriad Autosomal Dominant, Autosomal Recessive and X-Linked Classification Criteria (2023). Collection method: clinical testing. Allele origin: unknown.
Comment: NM_000053.3(ATP7B):c.2968dupG(A990Gfs*38) is expected to be pathogenic in the context of Wilson disease. This variant is predicted to lead to an abnormal or absent protein product due to the creation of a premature termination codon in ATP7B, a gene where loss-of-function variants are known to be pathogenic. Please note: this variant was assessed in the context of healthy population screening.